The following is an entry in ClinVar:

NM_001035.3(RYR2):c.1404G>A (p.Glu468=)

Gene: RYR2 (ryanodine receptor 2; plus strand). Cytogenetic location: 1q43.
Variant type: single nucleotide variant.
Coding change: c.1404G>A on transcript NM_001035.3 (MANE Select); coding-DNA position 1404, G replaced by A.
Protein change: p.Glu468=; no amino-acid change (glutamic acid 468 retained).
Molecular consequence: synonymous variant.
Genome position (GRCh38, 1-based): chr1:237,454,502, G>A. VCF-style: chr1-237454502-G-A. GRCh37 (hg19) VCF-style: chr1-237617802-G-A.
Other names: c.1404G>A, p.Glu468= (LRG_402t1).
Identifiers: ClinVar variation 296709 (VCV000296709.18), dbSNP rs768538183, ClinGen allele CA085551.

ClinVar aggregate classification (germline): Conflicting classifications of pathogenicity. Review status: criteria provided, conflicting classifications (1 of 4 stars). 6 submissions from 5 submitters: Uncertain significance (2); Likely benign (4). Last evaluated 2025-06-01.

Conditions:
Cardiovascular phenotype. Identifiers: MedGen CN230736.
Catecholaminergic polymorphic ventricular tachycardia (CVPT). Also called: Catecholamine-induced polymorphic ventricular tachycardia. Identifiers: Orphanet 3286, MedGen C5574922, MONDO:0017990.
Arrhythmogenic right ventricular dysplasia 2. Identifiers: MedGen C1832931.
Cardiomyopathy (CMYO). Also called: Cardiomyopathies. Identifiers: Orphanet 167848, MedGen C0878544, MONDO:0004994, HP:0001638. Inheritance: Various modes of inheritance.
Catecholaminergic polymorphic ventricular tachycardia 1. Also called: VENTRICULAR TACHYCARDIA, CATECHOLAMINERGIC POLYMORPHIC, 1, WITH OR WITHOUT ATRIAL DYSFUNCTION AND/OR DILATED CARDIOMYOPATHY; VENTRICULAR TACHYCARDIA, STRESS-INDUCED POLYMORPHIC 1; RYR2-Related Catecholaminergic Polymorphic Ventricular Tachycardia. Identifiers: Orphanet 3286, MedGen C1631597, MONDO:0011484, OMIM 604772.

Allele frequency attached by ClinVar (database versions not stated): gnomAD exomes below 0.00001; TOPMed below 0.00001; ExAC 0.00001; gnomAD 0.00002.
gnomAD v4.1: 4 of 1,613,402 alleles (0.00025%); highest among the groups gnomAD compares: Non-Finnish European, 0.00034%; no homozygotes.

Submissions (6):

Ambry Genetics
Classification: Likely benign for Cardiovascular phenotype. Last evaluated: 2025-06-01. Review status: criteria provided, single submitter. Criteria: Ambry Variant Classification Scheme 2023. Collection method: clinical testing. Allele origin: germline.

Labcorp Genetics (formerly Invitae), Labcorp
Classification: Likely benign for Catecholaminergic polymorphic ventricular tachycardia 1. Last evaluated: 2025-04-23. Review status: criteria provided, single submitter. Criteria: Invitae Variant Classification Sherloc (09022015). Collection method: clinical testing. Allele origin: germline.

All of Us Research Program, National Institutes of Health
Classification: Likely benign for Catecholaminergic polymorphic ventricular tachycardia. Last evaluated: 2024-02-05. Review status: criteria provided, single submitter. Criteria: ACMG Guidelines, 2015. Collection method: clinical testing. Allele origin: germline. Inheritance: Autosomal dominant inheritance. Observed: 1 variant allele, 1 heterozygote.
Comment: This study involves interpretation of variants in research participants for the purpose of population health screening. Participant phenotype was not available at the time of variant classification. Additional details can be found in publication PMID: 35346344, PMCID: PMC8962531

Color Diagnostics, LLC DBA Color Health
Classification: Likely benign for Cardiomyopathy. Last evaluated: 2019-09-16. Review status: criteria provided, single submitter. Criteria: ACMG Guidelines, 2015. Collection method: clinical testing. Allele origin: germline.

Illumina Laboratory Services, Illumina
Classification: Uncertain significance for Catecholaminergic polymorphic ventricular tachycardia 1. Last evaluated: 2018-01-12. Review status: criteria provided, single submitter. Criteria: ICSL Variant Classification Criteria 13 December 2019. Collection method: clinical testing. Allele origin: germline.

Illumina Laboratory Services, Illumina
Classification: Uncertain significance for Catecholaminergic polymorphic ventricular tachycardia 1. Last evaluated: 2018-01-12. Review status: criteria provided, single submitter. Criteria: ICSL Variant Classification Criteria 13 December 2019. Collection method: clinical testing. Allele origin: germline.